The following is an entry in ClinVar:

NM_001267550.2(TTN):c.60488_60494delinsTTTTGCTGTTCTTGATGT (p.Ala20163fs)

Genes: TTN (titin; minus strand), TTN-AS1 (TTN antisense RNA 1; plus strand). Cytogenetic location: 2q31.2.
Variant type: Indel.
Coding change: c.60488_60494delinsTTTTGCTGTTCTTGATGT on transcript NM_001267550.2 (MANE Select); coding-DNA positions 60488 to 60494, CCGTACA replaced by TTTTGCTGTTCTTGATGT.
Protein change: p.Ala20163fs; shifts the reading frame from alanine 20163.
Molecular consequence: frameshift variant. On other transcripts: non-coding transcript variant (1).
Genome position (GRCh38, 1-based): chr2:178,591,231-178,591,237, TGTACGG replaced by ACATCAAGAACAGCAAAA on the plus strand (CCGTACA replaced by TTTTGCTGTTCTTGATGT on the coding strand, the reverse complement: TTN is on the minus strand). VCF-style: chr2-178591231-TGTACGG-ACATCAAGAACAGCAAAA. GRCh37 (hg19) VCF-style: chr2-179455958-TGTACGG-ACATCAAGAACAGCAAAA.
Other names: c.55565_55571delinsTTTTGCTGTTCTTGATGT, p.Ala18522fs (NM_001256850.1); c.33293_33299delinsTTTTGCTGTTCTTGATGT, p.Ala11098fs (NM_003319.4); c.52784_52790delinsTTTTGCTGTTCTTGATGT, p.Ala17595fs (NM_133378.4); c.33668_33674delinsTTTTGCTGTTCTTGATGT, p.Ala11223fs (NM_133432.3); c.33869_33875delinsTTTTGCTGTTCTTGATGT, p.Ala11290fs (NM_133437.4); short protein forms A11098fs, A11223fs, A11290fs, A17595fs, A18522fs, A20163fs.
Identifiers: ClinVar variation 3756116 (VCV003756116.2).
Genomic context (GRCh38, chr2:178,591,231, plus strand): 5'-GTAACATCCAGAATATTAATAGGACCTGTTGGTGGCCCAGGAACATCAAGAACAGTAAGA[TGTACGG>ACATCAAGAACAGCAAAA]CTACTGTTTTGCTACCGGCTGCATTGGAAACTGTGATTTGATATTCCCCAGTGTCTCTCC-3'

ClinVar aggregate classification (germline): Likely pathogenic (1 of 4 stars; one submission).

Conditions:
Dilated cardiomyopathy 1G (CMD1G). Identifiers: Orphanet 154, MedGen C1858763, MONDO:0011400, OMIM 604145.
Autosomal recessive limb-girdle muscular dystrophy type 2J (LGMDR10). Also called: Limb-girdle muscular dystrophy, type 2J; MUSCULAR DYSTROPHY, LIMB-GIRDLE, AUTOSOMAL RECESSIVE 10. Identifiers: Orphanet 140922, MedGen C1837342, MONDO:0012127, OMIM 608807.

Submission:

Labcorp Genetics (formerly Invitae), Labcorp
Classification: Likely pathogenic for Dilated cardiomyopathy 1G; Autosomal recessive limb-girdle muscular dystrophy type 2J. Last evaluated: 2024-04-30. Review status: criteria provided, single submitter. Criteria: Invitae Variant Classification Sherloc (09022015). Collection method: clinical testing. Allele origin: germline.
Comment: This sequence change creates a premature translational stop signal (p.Ala20163Valfs*31) in the TTN gene. While this is not anticipated to result in nonsense mediated decay, it is expected to create a truncated TTN protein. This variant is not present in population databases (gnomAD no frequency). This variant has not been reported in the literature in individuals affected with TTN-related conditions. This variant is located in the A band of TTN (PMID: 25589632). Truncating variants in this region are significantly overrepresented in patients affected with dilated cardiomyopathy (PMID: 25589632). Truncating variants in this region have also been reported in individuals affected with autosomal recessive centronuclear myopathy (PMID: 23975875). In summary, the currently available evidence indicates that the variant is pathogenic, but additional data are needed to prove that conclusively. Therefore, this variant has been classified as Likely Pathogenic.

Literature cited by the submitters: PubMed 25589632; PubMed 23975875.